The following is an entry in ClinVar:

NM_001040142.2(SCN2A):c.4782G>T (p.Trp1594Cys)

Gene: SCN2A (sodium voltage-gated channel alpha subunit 2; plus strand). Cytogenetic location: 2q24.3.
Variant type: single nucleotide variant.
Coding change: c.4782G>T on transcript NM_001040142.2 (MANE Select); coding-DNA position 4782, G replaced by T.
Protein change: p.Trp1594Cys; replaces tryptophan 1594 with cysteine.
Molecular consequence: missense variant.
Genome position (GRCh38, 1-based): chr2:165,386,976, G>T. VCF-style: chr2-165386976-G-T. GRCh37 (hg19) VCF-style: chr2-166243486-G-T.
Other names: NM_021007.3:c.4782G>T; c.4782G>T, p.Trp1594Cys (NM_001040143.2, NM_001371246.1, NM_001371247.1 and 1 more transcripts); short protein forms W1594C.
Identifiers: ClinVar variation 3906896 (VCV003906896.1).

ClinVar aggregate classification (germline): Likely pathogenic (3 of 4 stars; one submission).

Conditions:
Complex neurodevelopmental disorder. Identifiers: Orphanet 528084, MedGen C5568766, MONDO:0100038.

Submission:

ClinGen Epilepsy Sodium Channel Variant Curation Expert Panel, Clingen
Classification: Likely pathogenic for Complex neurodevelopmental disorder. Last evaluated: 2024-11-26. Review status: reviewed by expert panel. Criteria: ClinGen EpilepsySCN ACMG Specifications SCN2A V1.0.0. Collection method: curation. Allele origin: germline. Inheritance: Autosomal dominant inheritance.
Comment: The c.4782G>T variant in SCN2A is a missense variant predicted to cause substitution of tryptophan by cysteine at amino acid 1594 (p.Trp1594Cys). The variant has been identified in multiple individuals meeting criteria for complex neurodevelopmental disorder (PM6)(PMID: 35365919, 23603762). It is absent from the population database gnomAD v2.1.1 and v4.1.0 (PM2_Supporting). The computational predictor REVEL gives a score of 0.924, which is above the threshold of 0.773, evidence that correlates with a maximum strength of PP3_Moderate. The same amino acid change (p.Trp1594Cys), resulting from a different nucleotide change [c.4782G>C] (PMID: 34004075, internal lab contributors) is classified as likely pathogenic for complex neurodevelopmental disorder by the ClinGen Epilepsy Sodium Channel VCEP. Additionally, another missense variant in the same codon c.4780T>A, p.Trp1594Arg reaches likely pathogenic based on current criteria (PM5_Supporting). In summary, this variant meets the criteria to be classified as likely pathogenic for autosomal dominant complex neurodevelopmental disorder based on the ACMG/AMP criteria applied, as specified by the ClinGen Epilepsy Sodium Channel VCEP: PM6, PM2_Supporting, PP3_Moderate, PM5_Supporting. (version 1.0; November 26, 2024).